The following is an entry in ClinVar:

NM_001322934.2(NFKB2):c.1008_1009delinsTT (p.Gln336_Arg337delinsHisTrp)

Gene: NFKB2 (nuclear factor kappa B subunit 2; plus strand). Cytogenetic location: 10q24.32.
Variant type: Indel.
Coding change: c.1008_1009delinsTT on transcript NM_001322934.2 (MANE Select); coding-DNA positions 1008 to 1009, GC replaced by TT.
Protein change: p.Gln336_Arg337delinsHisTrp.
Molecular consequence: missense variant. On other transcripts: intron variant (1).
Genome position (GRCh38, 1-based): chr10:102,398,755-102,398,756, GC replaced by TT. VCF-style: chr10-102398755-GC-TT. GRCh37 (hg19) VCF-style: chr10-104158512-GC-TT.
Other names: c.1008_1009delinsTT, p.Gln336_Arg337delinsHisTrp (NM_001077494.3, NM_001261403.3, NM_001288724.1 and 1 more transcripts); c.991+232_991+233delinsTT (NM_001322935.1).
Identifiers: ClinVar variation 4712760 (VCV004712760.1).

ClinVar aggregate classification (germline): Uncertain significance (1 of 4 stars; one submission).

Conditions:
Immunodeficiency, common variable, 10. Also called: DEFICIT IN ANTERIOR PITUITARY FUNCTION AND VARIABLE IMMUNODEFICIENCY; IMMUNODEFICIENCY, COMMON VARIABLE, WITH CENTRAL ADRENAL INSUFFICIENCY. Identifiers: MedGen C3809991, MONDO:0014260, OMIM 615577.

Submission:

Labcorp Genetics (formerly Invitae), Labcorp
Classification: Uncertain significance for Immunodeficiency, common variable, 10. Last evaluated: 2025-02-10. Review status: criteria provided, single submitter. Criteria: Invitae Variant Classification Sherloc (09022015). Collection method: clinical testing. Allele origin: germline.
Comment: This variant, c.1008_1009delinsTT, is a complex sequence change that results in the deletion and insertion of 2 amino acid(s) in the NFKB2 protein (p.Gln336_Arg337delinsHisTrp). Information on the frequency of this variant in the gnomAD database is not available, as this variant may be reported differently in the database. This variant has not been reported in the literature in individuals affected with NFKB2-related conditions. Experimental studies and prediction algorithms are not available or were not evaluated, and the functional significance of this variant is currently unknown. In summary, the available evidence is currently insufficient to determine the role of this variant in disease. Therefore, it has been classified as a Variant of Uncertain Significance.